The following is an entry in ClinVar:

ClinVar aggregate classification (germline): Likely benign (1 of 4 stars; one submission).

Submission:

CeGaT Center for Human Genetics Tuebingen
Classification: Likely benign. Last evaluated: 2026-04-01. Review status: criteria provided, single submitter. Criteria: CeGaT Center For Human Genetics Tuebingen Variant Classification Criteria Version 2. Collection method: clinical testing. Allele origin: germline. Affected: yes. Observed: 1 variant allele.
Comment: TNRC6B: PM2:Supporting, BP4, BP7

NM_001162501.2(TNRC6B):c.954A>T (p.Gly318=)

Gene: TNRC6B (trinucleotide repeat containing adaptor 6B; plus strand). Cytogenetic location: 22q13.1.
Variant type: single nucleotide variant.
Coding change: c.954A>T on transcript NM_001162501.2 (MANE Select); coding-DNA position 954, A replaced by T.
Protein change: p.Gly318=; no amino-acid change (glycine 318 retained).
Molecular consequence: synonymous variant. On other transcripts: intron variant (1).
Genome position (GRCh38, 1-based): chr22:40,265,184, A>T. VCF-style: chr22-40265184-A-T. GRCh37 (hg19) VCF-style: chr22-40661188-A-T.
Other names: c.954A>T, p.Gly318= (NM_015088.3); c.565+3011A>T (NM_001024843.2).
Identifiers: ClinVar variation 4874107 (VCV004874107.2).